The following is an entry in ClinVar:

ClinVar aggregate classification (germline): Uncertain significance (1 of 4 stars; one submission).

Conditions:
Inborn genetic diseases. Identifiers: MedGen C0950123, MeSH D030342.

Submission:

Ambry Genetics
Classification: Uncertain significance for Inborn genetic diseases. Last evaluated: 2026-07-28. Review status: criteria provided, single submitter. Criteria: Ambry Variant Classification Scheme 2023. Collection method: clinical testing. Allele origin: germline.
Comment: The p.N859K variant (also known as c.2577T>G), located in coding exon 23 of the ANKRD26 gene, results from a T to G substitution at nucleotide position 2577. The asparagine at codon 859 is replaced by lysine, an amino acid with similar properties. This amino acid position is conserved. In addition, this alteration is predicted to be tolerated by in silico analysis. Based on the available evidence, the clinical significance of this variant remains unclear.

NM_014915.3(ANKRD26):c.2577T>G (p.Asn859Lys)

Gene: ANKRD26 (ankyrin repeat domain 26; minus strand). Cytogenetic location: 10p12.1.
Variant type: single nucleotide variant.
Coding change: c.2577T>G on transcript NM_014915.3 (MANE Select); coding-DNA position 2577, T replaced by G.
Protein change: p.Asn859Lys; replaces asparagine 859 with lysine.
Molecular consequence: missense variant.
Genome position (GRCh38, 1-based): chr10:27,037,306, A>C on the plus strand (T>G on the coding strand, the complement: ANKRD26 is on the minus strand). VCF-style: chr10-27037306-A-C. GRCh37 (hg19) VCF-style: chr10-27326235-A-C.
Other names: c.2574T>G, p.Asn858Lys (NM_001256053.2); short protein forms N859K, N858K.
Identifiers: ClinVar variation 5023360 (VCV005023360.1).